The following is an entry in ClinVar:

NM_007294.4(BRCA1):c.5347A>C (p.Met1783Leu)

Gene: BRCA1 (BRCA1 DNA repair associated; minus strand). Cytogenetic location: 17q21.31.
Variant type: single nucleotide variant.
Coding change: c.5347A>C on transcript NM_007294.4 (MANE Select); coding-DNA position 5347, A replaced by C.
Protein change: p.Met1783Leu; replaces methionine 1783 with leucine.
Molecular consequence: missense variant. On other transcripts: non-coding transcript variant (1), intron variant (1).
Genome position (GRCh38, 1-based): chr17:43,049,180, T>G on the plus strand (A>C on the coding strand, the complement: BRCA1 is on the minus strand). VCF-style: chr17-43049180-T-G. GRCh37 (hg19) VCF-style: chr17-41201197-T-G.
Other names: c.5218A>C, p.Met1740Leu (NM_001407689.1, NM_001407681.1, NM_001407682.1 and 5 more transcripts); c.5215A>C, p.Met1739Leu (NM_001407690.1, NM_001407691.1); c.5206A>C, p.Met1736Leu (NM_001407692.1, NM_001407694.1, NM_001407695.1 and 12 more transcripts); c.5134A>C, p.Met1712Leu (NM_001407908.1, NM_001407909.1, NM_001407910.1 and 12 more transcripts); c.5131A>C, p.Met1711Leu (NM_001407915.1, NM_001407916.1, NM_001407917.1 and 1 more transcripts); c.5083A>C, p.Met1695Leu (NM_001407920.1, NM_001407921.1, NM_001407922.1 and 4 more transcripts); c.1912A>C, p.Met638Leu (NM_001408443.1, NM_001408444.1, NM_001408432.1 and 10 more transcripts); c.1909A>C, p.Met637Leu (NM_001408445.1, NM_001408446.1, NM_001408447.1 and 2 more transcripts); and 73 more; short protein forms M1783L, M1736L, M1804L, M679L, M1629L, M1655L, M1693L, M1711L.
Identifiers: ClinVar variation 55545 (VCV000055545.37), dbSNP rs80357012, ClinGen allele CA003515.

ClinVar aggregate classification (germline): Conflicting classifications of pathogenicity. Review status: criteria provided, conflicting classifications (1 of 4 stars). 14 submissions from 14 submitters: Uncertain significance (4); Benign (1); Likely benign (5). 4 of the submissions do not count toward it. Last evaluated 2026-06-04.

Conditions:
Familial cancer of breast. Also called: hereditary breast carcinoma; BREAST CANCER, FAMILIAL; Hereditary breast cancer. Identifiers: Orphanet 227535, MedGen C0346153, MONDO:0016419, OMIM 114480. Disease mechanism: loss of function.
Hereditary cancer-predisposing syndrome. Also called: Hereditary Cancer Syndrome; Hereditary neoplastic syndrome; Neoplastic Syndromes, Hereditary; Tumor predisposition. Identifiers: Orphanet 140162, MedGen C0027672, MeSH D009386, MONDO:0015356.
Hereditary breast ovarian cancer syndrome. Also called: BRCA1- and BRCA2-Associated Hereditary Breast and Ovarian Cancer; Hereditary breast and ovarian cancer syndrome; Hereditary breast and ovarian cancer syndrome (HBOC); Breast and ovarian cancer; Hereditary breast and/or ovarian cancer syndrome; Hereditary breast and ovarian cancer. Identifiers: Orphanet 145, MedGen C0677776, MeSH D061325, MONDO:0003582. Disease mechanism: loss of function.
Breast-ovarian cancer, familial, susceptibility to, 1 (BROVCA1). Also called: BRCA1 Hereditary Breast and Ovarian Cancer; OVARIAN CANCER, SUSCEPTIBILITY TO. Identifiers: Orphanet 145, MedGen C2676676, MONDO:0011450, OMIM 604370. Disease mechanism: loss of function.
BRCA1-related disorder. Also called: BRCA1-related condition.

Allele frequency attached by ClinVar (database versions not stated): ExAC 0.00002; TOPMed 0.00002; gnomAD 0.00003.

Submissions (15):

PreventionGenetics, part of Exact Sciences
Classification: Likely benign for BRCA1-related condition. Last evaluated: 2026-06-04. Review status: criteria provided, single submitter. Criteria: ACMG Guidelines, 2015. Collection method: clinical testing. Allele origin: germline.
Comment: This variant is classified as likely benign based on ACMG/AMP sequence variant interpretation guidelines (Richards et al. 2015 PMID: 25741868, with internal and published modifications).

Labcorp Genetics (formerly Invitae), Labcorp
Classification: Likely benign for Hereditary breast ovarian cancer syndrome. Last evaluated: 2026-01-26. Review status: criteria provided, single submitter. Criteria: Invitae Variant Classification Sherloc (09022015). Collection method: clinical testing. Allele origin: germline.

Center for Genomic Medicine, Rigshospitalet, Copenhagen University Hospital
Classification: Likely benign. Last evaluated: 2025-03-04. Review status: criteria provided, single submitter. Criteria: ACMG Guidelines, 2015. Collection method: clinical testing. Allele origin: germline.

Women's Health and Genetics/Laboratory Corporation of America, LabCorp
Classification: Uncertain significance. Last evaluated: 2024-01-04. Review status: criteria provided, single submitter. Criteria: LabCorp Variant Classification Summary - May 2015. Collection method: clinical testing. Allele origin: germline.
Comment: Variant summary: BRCA1 c.5347A>C (p.Met1783Leu) results in a conservative amino acid change in the BRCT domain (IPR001357) of the encoded protein sequence. Three of five in-silico tools predict a benign effect of the variant on protein function. The variant allele was found at a frequency of 4e-05 in 251446 control chromosomes. This frequency is not significantly higher than estimated for a pathogenic variant in BRCA1 causing Hereditary Breast And Ovarian Cancer Syndrome (4e-05 vs 0.001), allowing no conclusion about variant significance. It was reported in at least one individual from an HBOC family (Judkins_2005), in a lymphoma patient (Bjorkman_2015) and several other patients either with Breast cancer or having undertaken BRCA1/2 gene testing (example, Zhang_2022, Hovland_2022), however without strong evidence for causality such as co-segregation. In a large study evaluating breast cancer cases and controls in the Breast Cancer Association Consortium (BCAC), the variant was reported in 4/60466 cases, but was also found in 3/53461 controls (Dorling_2021 through LOVD). Functional studies have demonstrated that the variant not to have any impact on HDR, transcription activation, phosphopeptide binding activity and protein stability of BRCA1 protein suggesting for neutrality (Lee_2008, Lu_2015). The following publications have been ascertained in the context of this evaluation (PMID: 25646469, 33471991, 34981296, 16267036, 20516115, 26689913, 35918668). Nine submitters have cited clinical-significance assessments for this variant to ClinVar after 2014 (VUS, n=4; Likely benign/Benign, n=5). Taken together, this variant is currently classified as VUS-possibly benign.

Breast Center, Key Laboratory of Carcinogenesis and Translational Research
Classification: Benign for Hereditary breast and ovarian cancer syndrome. Last evaluated: 2020-05-01. Review status: criteria provided, single submitter. Criteria: ACMG Guidelines, 2015. Collection method: clinical testing. Allele origin: germline. Observed: 3 variant alleles.

Ambry Genetics
Classification: Likely benign for Hereditary cancer-predisposing syndrome. Last evaluated: 2019-03-14. Review status: criteria provided, single submitter. Criteria: Ambry Variant Classification Scheme 2023. Collection method: clinical testing. Allele origin: germline.

Quest Diagnostics Nichols Institute San Juan Capistrano
Classification: Uncertain significance. Last evaluated: 2017-09-21. Review status: criteria provided, single submitter. Criteria: Quest Diagnostics criteria. Collection method: clinical testing. Allele origin: germline.

Cancer Genetics and Genomics Laboratory, British Columbia Cancer Agency
Classification: Uncertain significance for Hereditary breast ovarian cancer syndrome. Last evaluated: 2017-04-18. Review status: criteria provided, single submitter. Criteria: ACMG Guidelines, 2015. Collection method: clinical testing. Allele origin: germline. Study: The Canadian Open Genetics Repository (COGR).

GeneDx
Classification: Uncertain significance. Last evaluated: 2016-12-16. Review status: criteria provided, single submitter. Criteria: GeneDx Variant Classification (06012015). Collection method: clinical testing. Allele origin: germline. Affected: yes.
Comment: This variant is denoted BRCA1 c.5347A>C at the cDNA level, p.Met1783Leu (M1783L) at the protein level, and results in the change of a Methionine to a Leucine (ATG>CTG). Using alternate nomenclature, this variant would be defined as BRCA1 5466A>C. This variant was observed in at least one individual with diffuse large B-cell lymphoma (BjÃ¶rkman 2015), and functional studies have suggested no impact on BRCA1 function with respect to stability, transcription, and homology-directed repair when compared to wild type (Lee 2010, Lu 2015). BRCA1 Met1783Leu was not observed in approximately 6,500 individuals of European and African American ancestry in the NHLBI Exome Sequencing Project, suggesting it is not a common benign variant in these populations. Since Methionine and Leucine share similar properties, this is considered a conservative amino acid substitution. BRCA1 Met1783Leu occurs at a position where amino acids with properties similar to Methionine are tolerated across species and is located within the BRCT 2 domain and a region known to interact with multiple proteins (Paul 2014, UniProt). In silico analyses are inconsistent regarding the effect this variant may have on protein structure and function. Based on currently available evidence, it is unclear whether BRCA1 Met1783Leu is a pathogenic or benign variant. We consider it to be a variant of uncertain significance.

Color Diagnostics, LLC DBA Color Health
Classification: Likely benign for Hereditary cancer-predisposing syndrome. Last evaluated: 2016-07-18. Review status: criteria provided, single submitter. Criteria: ACMG Guidelines, 2015. Collection method: clinical testing. Allele origin: germline.

Counsyl
Classification: Uncertain significance for Breast-ovarian cancer, familial, susceptibility to, 1. Last evaluated: 2016-03-31. Review status: no assertion criteria provided. Collection method: clinical testing. Allele origin: unknown. Not counted in ClinVar's aggregate classification.

Breast Cancer Information Core (BIC) (BRCA1)
Classification: Uncertain significance for Breast-ovarian cancer, familial 1. Last evaluated: 2004-02-20. Review status: no assertion criteria provided. Collection method: clinical testing. Allele origin: germline. Affected: yes. Observed: 2 variant alleles. Not counted in ClinVar's aggregate classification.

Brotman Baty Institute, University of Washington
No classification provided (evidence only). Condition: Breast-ovarian cancer, familial 1. Review status: no classification provided. Collection method: in vitro. Allele origin: not applicable. Functional consequence: functionally_normal. Not counted in ClinVar's aggregate classification.
ClinVar note: "not provided" was previously submitted as the classification for the variant. However, the classification appeared to be based only on an observation of functional data so it was converted to no classification on 2025-07-30.

Center for Precision Medicine, Meizhou People's Hospital
Classification: Uncertain significance for Familial cancer of breast. Review status: no assertion criteria provided. Collection method: literature only. Allele origin: germline. Affected: yes. Not counted in ClinVar's aggregate classification.

Department of Pathology and Laboratory Medicine, Sinai Health System
Classification: Uncertain significance for Breast-ovarian cancer, familial, susceptibility to, 1. Review status: no assertion criteria provided. Collection method: clinical testing. Allele origin: unknown. Affected: yes. Study: The Canadian Open Genetics Repository (COGR). Not counted in ClinVar's aggregate classification.
Comment: The BRCA1 p.Met1783Leu variant has not been identified in affected individuals in the literature, but has been identified in the LOVD database, and in the BIC database 2x as a variant of unknown clinical importance. The p.Met1783 residue is not conserved in mammals and the variant amino acid Leucine is present in purple sea urchin, increasing the likelihood this variant does not have clinical significance. Computational analyses (PolyPhen2, SIFT, AlignGVGD) provide inconsistent predictions regarding the impact to the protein and this information is not very predictive of pathogenicity. Two other amino acid changes at this position, p.Met1783Thr and p.Meth1483Ala were suggested to be deleterious by functional assays and predictive in silico analyses (Coyne 2004, Karchin 2007, Miyake 2000, Zhang 1998), increasing the likelihood that a change at this position is significant. However, one functional study for the variant p.Met1783Leu suggested that this specific change had no functional effect (Lee 2010), while an in silico study using functional data predicted this variant to be of unknown significance (Iversen 2011). In summary, based on the above information, the clinical significance of this variant cannot be determined at this time. Therefore, this variant is classified as a variant of unknown significance.

Literature cited by the submitters: PubMed 16267036 (cited by Women's Health and Genetics/Laboratory Corporation of America, LabCorp); PubMed 20516115 (cited by 4 submitters); PubMed 25646469 (cited by Women's Health and Genetics/Laboratory Corporation of America, LabCorp); PubMed 26689913 (cited by 4 submitters); PubMed 33471991 (cited by Women's Health and Genetics/Laboratory Corporation of America, LabCorp); PubMed 34981296 (cited by Women's Health and Genetics/Laboratory Corporation of America, LabCorp); PubMed 35918668 (cited by Women's Health and Genetics/Laboratory Corporation of America, LabCorp); PubMed 30209399 (cited by Breast Center, Key Laboratory of Carcinogenesis and Translational Research); PubMed 17305420 (cited by Ambry Genetics); PubMed 21447777 (cited by Ambry Genetics); PubMed 26778126 (cited by Ambry Genetics).